The following is an entry in ClinVar:

ClinVar aggregate classification (germline): Uncertain significance (1 of 4 stars; one submission).

Conditions:
Neonatal-onset encephalopathy with rigidity and seizures. Also called: Lethal neonatal spasticity-epileptic encephalopathy syndrome. Identifiers: Orphanet 435845, MedGen C3281029, MONDO:0013784, OMIM 614498.

Allele frequency attached by ClinVar (database versions not stated): gnomAD exomes below 0.00001.
gnomAD v4.1: 5 of 1,593,564 alleles (0.00031%); highest among the groups gnomAD compares: South Asian, 0.0011%; no homozygotes.

Submission:

Labcorp Genetics (formerly Invitae), Labcorp
Classification: Uncertain significance for Neonatal-onset encephalopathy with rigidity and seizures. Last evaluated: 2022-04-28. Review status: criteria provided, single submitter. Criteria: Invitae Variant Classification Sherloc (09022015). Collection method: clinical testing. Allele origin: germline.
Comment: This sequence change replaces phenylalanine, which is neutral and non-polar, with leucine, which is neutral and non-polar, at codon 502 of the BRAT1 protein (p.Phe502Leu). This variant is not present in population databases (gnomAD no frequency). This variant has not been reported in the literature in individuals affected with BRAT1-related conditions. ClinVar contains an entry for this variant (Variation ID: 1002991). Algorithms developed to predict the effect of missense changes on protein structure and function output the following: SIFT: "Tolerated"; PolyPhen-2: "Benign"; Align-GVGD: "Class C0". The leucine amino acid residue is found in multiple mammalian species, which suggests that this missense change does not adversely affect protein function. In summary, the available evidence is currently insufficient to determine the role of this variant in disease. Therefore, it has been classified as a Variant of Uncertain Significance.

NM_152743.4(BRAT1):c.1504T>C (p.Phe502Leu)

Gene: BRAT1 (BRCA1 associated ATM activator 1; minus strand). Cytogenetic location: 7p22.3.
Variant type: single nucleotide variant.
Coding change: c.1504T>C on transcript NM_152743.4 (MANE Select); coding-DNA position 1504, T replaced by C.
Protein change: p.Phe502Leu; replaces phenylalanine 502 with leucine.
Molecular consequence: missense variant. On other transcripts: non-coding transcript variant (1).
Genome position (GRCh38, 1-based): chr7:2,539,637, A>G on the plus strand (T>C on the coding strand, the complement: BRAT1 is on the minus strand). VCF-style: chr7-2539637-A-G. GRCh37 (hg19) VCF-style: chr7-2579271-A-G.
Other names: c.1504T>C, p.Phe502Leu (NM_001350626.2); c.979T>C, p.Phe327Leu (NM_001350627.2); short protein forms F327L, F502L.
Identifiers: ClinVar variation 1002991 (VCV001002991.6), dbSNP rs1778987582, ClinGen allele CA366627889.